The following is an entry in ClinVar:

NM_002878.4(RAD51D):c.319G>A (p.Gly107Arg)

Genes: RAD51L3-RFFL (RAD51L3-RFFL readthrough; minus strand), RAD51D (RAD51 paralog D; minus strand). Cytogenetic location: 17q12.
Variant type: single nucleotide variant.
Coding change: c.319G>A on transcript NM_002878.4 (MANE Select); coding-DNA position 319, G replaced by A.
Protein change: p.Gly107Arg; replaces glycine 107 with arginine.
Molecular consequence: missense variant. On other transcripts: non-coding transcript variant (2), intron variant (1).
Genome position (GRCh38, 1-based): chr17:35,107,392, C>T on the plus strand (G>A on the coding strand, the complement: RAD51D is on the minus strand). VCF-style: chr17-35107392-C-T. GRCh37 (hg19) VCF-style: chr17-33434411-C-T.
Other names: c.379G>A, p.Gly127Arg (NM_001142571.2); c.145-911G>A (NM_133629.3); short protein forms G127R, G107R.
Identifiers: ClinVar variation 1728766 (VCV001728766.5), dbSNP rs2142436729, ClinGen allele CA399089930.

ClinVar aggregate classification (germline): Uncertain significance. Review status: criteria provided, multiple submitters, no conflicts (2 of 4 stars). 2 submissions from 2 submitters: Uncertain significance (2). Last evaluated 2024-06-11.

Conditions:
Hereditary cancer-predisposing syndrome. Also called: Tumor predisposition; Neoplastic Syndromes, Hereditary; Hereditary Cancer Syndrome; Hereditary neoplastic syndrome. Identifiers: Orphanet 140162, MedGen C0027672, MeSH D009386, MONDO:0015356.
Breast-ovarian cancer, familial, susceptibility to, 4. Identifiers: Orphanet 145, MedGen C3280345, MONDO:0013669, OMIM 614291.

Submissions (2):

Labcorp Genetics (formerly Invitae), Labcorp
Classification: Uncertain significance for Breast-ovarian cancer, familial, susceptibility to, 4. Last evaluated: 2024-06-11. Review status: criteria provided, single submitter. Criteria: Invitae Variant Classification Sherloc (09022015). Collection method: clinical testing. Allele origin: germline.
Comment: This sequence change replaces glycine, which is neutral and non-polar, with arginine, which is basic and polar, at codon 107 of the RAD51D protein (p.Gly107Arg). This variant is not present in population databases (gnomAD no frequency). This variant has not been reported in the literature in individuals affected with RAD51D-related conditions. ClinVar contains an entry for this variant (Variation ID: 1728766). Advanced modeling of protein sequence and biophysical properties (such as structural, functional, and spatial information, amino acid conservation, physicochemical variation, residue mobility, and thermodynamic stability) performed at Invitae indicates that this missense variant is expected to disrupt RAD51D protein function with a positive predictive value of 80%. In summary, the available evidence is currently insufficient to determine the role of this variant in disease. Therefore, it has been classified as a Variant of Uncertain Significance.

Ambry Genetics
Classification: Uncertain significance for Hereditary cancer-predisposing syndrome. Last evaluated: 2023-07-27. Review status: criteria provided, single submitter. Criteria: Ambry Variant Classification Scheme 2023. Collection method: clinical testing. Allele origin: germline.
Comment: The p.G107R variant (also known as c.319G>A), located in coding exon 4 of the RAD51D gene, results from a G to A substitution at nucleotide position 319. The glycine at codon 107 is replaced by arginine, an amino acid with dissimilar properties. This amino acid position is highly conserved in available vertebrate species. In addition, this alteration is predicted to be deleterious by in silico analysis. Since supporting evidence is limited at this time, the clinical significance of this alteration remains unclear.